The following is an entry in ClinVar:

NM_033305.3(VPS13A):c.367_371del (p.Gln123fs)

Gene: VPS13A (vacuolar protein sorting 13 homolog A; plus strand). Cytogenetic location: 9q21.2.
Variant type: Microsatellite.
Coding change: c.367_371del on transcript NM_033305.3 (MANE Select); coding-DNA positions 367 to 371, 5 bases deleted (CAAAA; older notation c.367_371delCAAAA).
Protein change: p.Gln123fs; shifts the reading frame from glutamine 123.
Molecular consequence: frameshift variant.
Genome position (GRCh38, 1-based): chr9:77,206,061-77,206,065, CAAAA deleted; deleting any 5 consecutive bases within chr9:77,206,056-77,206,065 gives the same sequence; the c. name uses the placement nearest the transcript's 3' end. VCF-style (leftmost placement, unchanged base first): chr9-77206055-GCAAAA-G. GRCh37 (hg19) VCF-style: chr9-79820971-GCAAAA-G.
Other names: c.367_371del, p.Gln123fs (NM_001018037.2, NM_001018038.3, NM_015186.4); short protein forms Q123fs.
Identifiers: ClinVar variation 5016055 (VCV005016055.1).
Genomic context (GRCh38, chr9:77,206,055, plus strand): 5'-TTAAAAGAAGAGAAACAACTCATGGAAGCAAAGCAACAGGAACTGAAAAGAATAGAAGAA[GCAAAA>G]CAAAAAGTAGTTGATCAAGGTAAAGAAAACAGTAAATAACAATGCTAATAAGAGAAGTAG-3'

ClinVar aggregate classification (germline): Pathogenic (1 of 4 stars; one submission).

Conditions:
VPS13A-related neurodegenerative disease. Also called: ACANTHOCYTOSIS WITH NEUROLOGIC DISORDER; LEVINE-CRITCHLEY SYNDROME; Choreoacanthocytosis; Chorea-acanthocytosis; Choreaacanthocytosis; VPS13A Disease. Identifiers: Orphanet 2388, MedGen C0393576, MONDO:0008695, OMIM 200150.

Submission:

Myriad Genetics, Inc.
Classification: Pathogenic for VPS13A-related neurodegenerative disease. Last evaluated: 2026-06-20. Review status: criteria provided, single submitter. Criteria: Myriad Autosomal Dominant, Autosomal Recessive and X-Linked Classification Criteria (2023). Collection method: clinical testing. Allele origin: unknown.
Comment: NM_033305.2(VPS13A):c.367_371del5(Q123Sfs*3) is expected to be pathogenic in the context of VPS13A disease. This variant is predicted to lead to an abnormal or absent protein product due to the creation of a premature termination codon in VPS13A, a gene where loss-of-function variants are known to be pathogenic. Please note: this variant was assessed in the context of healthy population screening.